The following is an entry in ClinVar:

NM_052867.4(NALCN):c.4365dup (p.Thr1456fs)

Gene: NALCN (sodium leak channel, non-selective; minus strand). Cytogenetic location: 13q32.3.
Variant type: Duplication.
Coding change: c.4365dup on transcript NM_052867.4 (MANE Select); coding-DNA position 4365, one base duplicated (C; older notation c.4365dupC).
Protein change: p.Thr1456fs; shifts the reading frame from threonine 1456.
Molecular consequence: frameshift variant.
Genome position (GRCh38, 1-based): chr13:101,067,999, G duplicated on the plus strand (C on the coding strand, the reverse complement: NALCN is on the minus strand); the first of 2 consecutive G bases (chr13:101,067,999-101,068,000); duplicating either gives the same sequence. VCF-style (leftmost placement, unchanged base first): chr13-101067998-T-TG. GRCh37 (hg19) VCF-style: chr13-101720350-T-TG.
Other names: c.4452dup, p.Thr1485fs (NM_001350748.2); c.4365dup, p.Thr1456fs (NM_001350749.2); c.4278dup, p.Thr1427fs (NM_001350750.2, NM_001350751.2); short protein forms T1427fs, T1456fs, T1485fs.
Identifiers: ClinVar variation 3340692 (VCV003340692.1).

ClinVar aggregate classification (germline): Likely pathogenic (1 of 4 stars; one submission).

Submission:

GeneDx
Classification: Likely pathogenic. Last evaluated: 2023-12-18. Review status: criteria provided, single submitter. Criteria: GeneDx Variant Classification Process June 2021. Collection method: clinical testing. Allele origin: germline. Affected: yes.
Comment: Frameshift variant predicted to result in protein truncation or nonsense mediated decay in a gene for which loss-of-function is a known mechanism of disease; Not observed at significant frequency in large population cohorts (gnomAD); Has not been previously published as pathogenic or benign to our knowledge